The following is an entry in ClinVar:

NM_004187.5(KDM5C):c.3344G>A (p.Arg1115His)

Gene: KDM5C (lysine demethylase 5C; minus strand). Cytogenetic location: Xp11.22.
Variant type: single nucleotide variant.
Coding change: c.3344G>A on transcript NM_004187.5 (MANE Select); coding-DNA position 3344, G replaced by A.
Protein change: p.Arg1115His; replaces arginine 1115 with histidine.
Molecular consequence: missense variant. On other transcripts: non-coding transcript variant (3).
Genome position (GRCh38, 1-based): chrX:53,195,025, C>T on the plus strand (G>A on the coding strand, the complement: KDM5C is on the minus strand). VCF-style: chrX-53195025-C-T. GRCh37 (hg19) VCF-style: chrX-53224207-C-T.
Other names: c.3143G>A, p.Arg1048His (NM_001146702.2); c.3341G>A, p.Arg1114His (NM_001282622.3, NM_001353979.2, NM_001353982.2); c.3344G>A, p.Arg1115His (NM_001353978.3, NM_001353981.2, NM_001353984.2); short protein forms R1048H, R1115H, R1114H.
Identifiers: ClinVar variation 2162328 (VCV002162328.4), dbSNP rs202160290, ClinGen allele CA329166554.

ClinVar aggregate classification (germline): Uncertain significance. Review status: criteria provided, multiple submitters, no conflicts (2 of 4 stars). 2 submissions from 2 submitters: Uncertain significance (2). Last evaluated 2023-07-17.

Conditions:
Intellectual developmental disorder, X-linked, syndromic, Claes-Jensen type. Also called: INTELLECTUAL DEVELOPMENTAL DISORDER, X-LINKED, SYNDROMIC 16; MENTAL RETARDATION, X-LINKED, SYNDROMIC 16; Syndromic X-linked intellectual disability Claes-Jensen type. Identifiers: Orphanet 85279, MedGen C1845243, MONDO:0010355, OMIM 300534.
Spastic paraplegia. Identifiers: MedGen C0037772, HP:0001258.

Allele frequency attached by ClinVar (database versions not stated): gnomAD 0.00001; gnomAD exomes 0.00001; TOPMed 0.00002.
gnomAD v4.1: 14 of 1,207,575 alleles (0.0012%); highest among the groups gnomAD compares: South Asian, 0.0053%; no homozygotes.

Submissions (2):

Labcorp Genetics (formerly Invitae), Labcorp
Classification: Uncertain significance for Spastic paraplegia. Last evaluated: 2023-07-17. Review status: criteria provided, single submitter. Criteria: Invitae Variant Classification Sherloc (09022015). Collection method: clinical testing. Allele origin: germline.
Comment: In summary, the available evidence is currently insufficient to determine the role of this variant in disease. Therefore, it has been classified as a Variant of Uncertain Significance. Experimental studies are conflicting or provide insufficient evidence to determine the effect of this variant on KDM5C function (PMID: 29670509). Advanced modeling of protein sequence and biophysical properties (such as structural, functional, and spatial information, amino acid conservation, physicochemical variation, residue mobility, and thermodynamic stability) has been performed at Invitae for this missense variant, however the output from this modeling did not meet the statistical confidence thresholds required to predict the impact of this variant on KDM5C protein function. ClinVar contains an entry for this variant (Variation ID: 2162328). This missense change has been observed in individual(s) with X-linked intellectual disability and/or spasticity (PMID: 26863999, 29670509). This variant is present in population databases (rs202160290, gnomAD 0.004%). This sequence change replaces arginine, which is basic and polar, with histidine, which is basic and polar, at codon 1115 of the KDM5C protein (p.Arg1115His).

Neuberg Centre For Genomic Medicine, NCGM
Classification: Uncertain significance for Intellectual developmental disorder, X-linked, syndromic, Claes-Jensen type. Last evaluated: 2023-06-22. Review status: criteria provided, single submitter. Criteria: ACMG Guidelines, 2015. Collection method: clinical testing. Allele origin: germline. Inheritance: X-linked recessive inheritance. Affected: yes.
Comment: The missense c.3344G>A(p.Arg1115His) variant in KDM5C gene has been reported previously in indiviudual(s) affected with X-linked intellectual disability (Vallianatos CN, et al., 2018; Nolan D & Carlson M., 2016). The p.Arg1115His variant is present with allele frequency of 0.002% in gnomAD Exomes. This variant has been submitted to the ClinVar database as Uncertain Significance. Multiple lines of computational evidences (Polyphen - Possibly damaging, SIFT - Damaging and MutationTaster - Polymorphism) predict conflicting evidence on protein structure and function for this variant. The reference amino acid at this position on KDM5C gene is predicted as conserved by GERP++ and PhyloP across 100 vertebrates. The amino acid Arg at position 1115 is changed to a His changing protein sequence and it might alter its composition and physico-chemical properties. Experimental studies are conflicting or provide insufficient evidence to determine the effect of this variant on KDM5C function (Vallianatos CN, et al., 2018). Additional functional studies will be required to prove the pathogenicity of this variant conclusively. For these reasons, this variant has been classified as a Variant of Uncertain Significance (VUS).

Literature cited by the submitters: PubMed 29670509 (cited by Labcorp Genetics (formerly Invitae), Labcorp); PubMed 26863999 (cited by Labcorp Genetics (formerly Invitae), Labcorp).